The following is an entry in ClinVar:

ClinVar aggregate classification (germline): Uncertain significance (1 of 4 stars; one submission).

Conditions:
Combined immunodeficiency due to DOCK8 deficiency (HIES2). Also called: HYPER-IgE SYNDROME 2, AUTOSOMAL RECESSIVE, WITH RECURRENT INFECTIONS; DOCK8 Deficiency; Hyper-IgE recurrent infection syndrome, autosomal recessive; HIES autosomal recessive; HYPER-IgE RECURRENT INFECTION SYNDROME 2, AUTOSOMAL RECESSIVE. Identifiers: Orphanet 217390, MedGen C4722305, MONDO:0009478, OMIM 243700.

Submission:

Labcorp Genetics (formerly Invitae), Labcorp
Classification: Uncertain significance for Combined immunodeficiency due to DOCK8 deficiency. Last evaluated: 2024-11-11. Review status: criteria provided, single submitter. Criteria: Invitae Variant Classification Sherloc (09022015). Collection method: clinical testing. Allele origin: germline.
Comment: This sequence change replaces threonine, which is neutral and polar, with isoleucine, which is neutral and non-polar, at codon 167 of the DOCK8 protein (p.Thr167Ile). This variant is not present in population databases (gnomAD no frequency). This variant has not been reported in the literature in individuals affected with DOCK8-related conditions. An algorithm developed to predict the effect of missense changes on protein structure and function outputs the following: PolyPhen-2: "Benign". The isoleucine amino acid residue is found in multiple mammalian species, which suggests that this missense change does not adversely affect protein function. In summary, the available evidence is currently insufficient to determine the role of this variant in disease. Therefore, it has been classified as a Variant of Uncertain Significance.

NM_203447.4(DOCK8):c.500C>T (p.Thr167Ile)

Gene: DOCK8 (dedicator of cytokinesis 8; plus strand). Cytogenetic location: 9p24.3.
Variant type: single nucleotide variant.
Coding change: c.500C>T on transcript NM_203447.4 (MANE Select); coding-DNA position 500, C replaced by T.
Protein change: p.Thr167Ile; replaces threonine 167 with isoleucine.
Molecular consequence: missense variant.
Genome position (GRCh38, 1-based): chr9:304,676, C>T. VCF-style: chr9-304676-C-T. GRCh37 (hg19) VCF-style: chr9-304676-C-T.
Other names: c.296C>T, p.Thr99Ile (NM_001190458.2, NM_001193536.2); short protein forms T167I, T99I.
Identifiers: ClinVar variation 3725018 (VCV003725018.2).